The following is an entry in ClinVar:

ClinVar aggregate classification (germline): Uncertain significance (1 of 4 stars; one submission).

Allele frequency attached by ClinVar (database versions not stated): gnomAD 0.00001; gnomAD exomes 0.00001 and 0.00002.
gnomAD v4.1: 5 of 1,614,114 alleles (0.00031%); highest among the groups gnomAD compares: Admixed American, 0.0067%; no homozygotes.

Submission:

Labcorp Genetics (formerly Invitae), Labcorp
Classification: Uncertain significance. Last evaluated: 2021-04-23. Review status: criteria provided, single submitter. Criteria: Invitae Variant Classification Sherloc (09022015). Collection method: clinical testing. Allele origin: germline.
Comment: In summary, the available evidence is currently insufficient to determine the role of this variant in disease. Therefore, it has been classified as a Variant of Uncertain Significance. Algorithms developed to predict the effect of missense changes on protein structure and function (SIFT, PolyPhen-2, Align-GVGD) all suggest that this variant is likely to be tolerated, but these predictions have not been confirmed by published functional studies and their clinical significance is uncertain. This variant has not been reported in the literature in individuals with MCM3AP-related conditions. This variant is not present in population databases (ExAC no frequency). This sequence change replaces glutamic acid with glycine at codon 310 of the MCM3AP protein (p.Glu310Gly). The glutamic acid residue is moderately conserved and there is a moderate physicochemical difference between glutamic acid and glycine.

NM_003906.5(MCM3AP):c.929A>G (p.Glu310Gly)

Gene: MCM3AP (minichromosome maintenance complex component 3 associated protein; minus strand). Cytogenetic location: 21q22.3.
Variant type: single nucleotide variant.
Coding change: c.929A>G on transcript NM_003906.5 (MANE Select); coding-DNA position 929, A replaced by G.
Protein change: p.Glu310Gly; replaces glutamic acid 310 with glycine.
Molecular consequence: missense variant.
Genome position (GRCh38, 1-based): chr21:46,284,358, T>C on the plus strand (A>G on the coding strand, the complement: MCM3AP is on the minus strand). VCF-style: chr21-46284358-T-C. GRCh37 (hg19) VCF-style: chr21-47704272-T-C.
Other names: short protein forms E310G.
Identifiers: ClinVar variation 1345823 (VCV001345823.8), dbSNP rs1206075101, ClinGen allele CA410534027.